The following is an entry in ClinVar:

NM_001148.6(ANK2):c.8267A>G (p.Asp2756Gly)

Gene: ANK2 (ankyrin 2; plus strand). Cytogenetic location: 4q26.
Variant type: single nucleotide variant.
Coding change: c.8267A>G on transcript NM_001148.6 (MANE Select); coding-DNA position 8267, A replaced by G.
Protein change: p.Asp2756Gly; replaces aspartic acid 2756 with glycine.
Molecular consequence: missense variant. On other transcripts: intron variant (68).
Genome position (GRCh38, 1-based): chr4:113,356,885, A>G. VCF-style: chr4-113356885-A-G. GRCh37 (hg19) VCF-style: chr4-114278041-A-G.
Other names: c.8033A>G, p.Asp2678Gly (NM_001386142.1); c.4667A>G, p.Asp1556Gly (NM_001386166.1); c.8408A>G, p.Asp2803Gly (NM_001386174.1); c.8384A>G, p.Asp2795Gly (NM_001386175.1); c.4412-3938A>G (NM_001386186.2, NM_001386148.2); c.4214-3938A>G (NM_001354269.3); c.4292-3938A>G (NM_001386187.2); c.4253-3938A>G (NM_001386147.1); and 35 more; short protein forms D2678G, D2756G, D2795G, D2803G, D1556G.
Identifiers: ClinVar variation 3864023 (VCV003864023.1).
Genomic context (GRCh38, chr4:113,356,885, plus strand): 5'-AAAAAGATTCTGAATCCCATTTAGCTGAAGACCGTCATGCTGTTTCCACTGAGGCTGAAG[A>G]CAGGTCTTATGATAAGCTAAACAGAGACACTGATCAGCCAAAAATCTGTGATGGCCATGG-3'
Protein context (NP_001139.3, residues 2746-2766): DRHAVSTEAE[Asp2756Gly]RSYDKLNRDT

ClinVar aggregate classification (germline): Uncertain significance (1 of 4 stars; one submission).

Conditions:
Cardiovascular phenotype. Identifiers: MedGen CN230736.

gnomAD v4.1: 1 of 1,614,080 alleles (0.000062%); no homozygotes.

Submission:

Ambry Genetics
Classification: Uncertain significance for Cardiovascular phenotype. Last evaluated: 2025-01-11. Review status: criteria provided, single submitter. Criteria: Ambry Variant Classification Scheme 2023. Collection method: clinical testing. Allele origin: germline.
Comment: The p.D2756G variant (also known as c.8267A>G), located in coding exon 38 of the ANK2 gene, results from an A to G substitution at nucleotide position 8267. The aspartic acid at codon 2756 is replaced by glycine, an amino acid with similar properties. This amino acid position is conserved. In addition, this alteration is predicted to be tolerated by in silico analysis. Based on the available evidence, the clinical significance of this variant remains unclear.